The following is an entry in ClinVar:

NM_001386140.1(MTTP):c.2043G>A (p.Glu681=)

Gene: MTTP (microsomal triglyceride transfer protein; plus strand). Cytogenetic location: 4q23.
Variant type: single nucleotide variant.
Coding change: c.2043G>A on transcript NM_001386140.1 (MANE Select); coding-DNA position 2043, G replaced by A.
Protein change: p.Glu681=; no amino-acid change (glutamic acid 681 retained).
Molecular consequence: synonymous variant.
Genome position (GRCh38, 1-based): chr4:99,612,966, G>A. VCF-style: chr4-99612966-G-A. GRCh37 (hg19) VCF-style: chr4-100534123-G-A.
Other names: c.2043G>A, p.Glu681= (NM_000253.4); c.1794G>A, p.Glu598= (NM_001300785.2).
Identifiers: ClinVar variation 347042 (VCV000347042.19), dbSNP rs145444300, ClinGen allele CA3022282.

ClinVar aggregate classification (germline): Benign/Likely benign. Review status: criteria provided, multiple submitters, no conflicts (2 of 4 stars). 6 submissions from 6 submitters: Benign (2); Likely benign (2). 2 of the submissions do not count toward it. Last evaluated 2026-01-28.

Conditions:
MTTP-related disorder. Also called: MTTP-related condition.
Abetalipoproteinaemia (ABL). Also called: MTP DEFICIENCY; Abetalipoproteinemia; Abetalipoproteinemia neuropathy; Apolipoprotein B deficiency; Congenital betalipoprotein deficiency syndrome. Identifiers: Orphanet 14, MedGen C0000744, MONDO:0008692, OMIM 200100, HP:0008181.

Allele frequency attached by ClinVar (database versions not stated): 1000 Genomes Project 0.00319; 1000 Genomes Project 30x 0.00375; TOPMed 0.00378; gnomAD 0.00389; ESP Exome Variant Server 0.00461.
gnomAD v4.1: 1,179 of 1,614,060 alleles (0.073%); highest among the groups gnomAD compares: African/African-American, 1.2%; 4 homozygotes.

Submissions (6):

Labcorp Genetics (formerly Invitae), Labcorp
Classification: Benign. Last evaluated: 2026-01-28. Review status: criteria provided, single submitter. Criteria: Invitae Variant Classification Sherloc (09022015). Collection method: clinical testing. Allele origin: germline.

Blueprint Genetics
Classification: Likely benign. Last evaluated: 2024-11-12. Review status: criteria provided, single submitter. Criteria: ACMG Guidelines, 2015. Collection method: clinical testing. Allele origin: germline.

GeneDx
Classification: Likely benign. Last evaluated: 2019-05-18. Review status: criteria provided, single submitter. Criteria: GeneDx Variant Classification Process June 2021. Collection method: clinical testing. Allele origin: germline. Affected: yes.

Illumina Laboratory Services, Illumina
Classification: Benign for Abetalipoproteinaemia. Last evaluated: 2018-01-12. Review status: criteria provided, single submitter. Criteria: ICSL Variant Classification Criteria 13 December 2019. Collection method: clinical testing. Allele origin: germline.
Comment: This variant was observed in the ICSL laboratory as part of a predisposition screen in an ostensibly healthy population. It had not been previously curated by ICSL or reported in the Human Gene Mutation Database (HGMD: prior to June 1st, 2018), and was therefore a candidate for classification through an automated scoring system. Utilizing variant allele frequency, disease prevalence and penetrance estimates, and inheritance mode, an automated score was calculated to assess if this variant is too frequent to cause the disease. Based on the score and internal cut-off values, a variant classified as benign is not then subjected to further curation. The score for this variant resulted in a classification of benign for this disease.

Natera, Inc.
Classification: Likely benign for Abetalipoproteinemia. Last evaluated: 2020-06-05. Review status: no assertion criteria provided. Collection method: clinical testing. Allele origin: germline. Not counted in ClinVar's aggregate classification.

PreventionGenetics, part of Exact Sciences
Classification: Benign for MTTP-related condition. Last evaluated: 2019-05-01. Review status: no assertion criteria provided. Collection method: clinical testing. Allele origin: germline. Not counted in ClinVar's aggregate classification.
Comment: This variant is classified as benign based on ACMG/AMP sequence variant interpretation guidelines (Richards et al. 2015 PMID: 25741868, with internal and published modifications).